The following is an entry in ClinVar:

NM_178822.5(IGSF10):c.7683A>G (p.Thr2561=)

Gene: IGSF10 (immunoglobulin superfamily member 10; minus strand). Cytogenetic location: 3q25.1.
Variant type: single nucleotide variant.
Coding change: c.7683A>G on transcript NM_178822.5 (MANE Select); coding-DNA position 7683, A replaced by G.
Protein change: p.Thr2561=; no amino-acid change (threonine 2561 retained).
Molecular consequence: synonymous variant.
Genome position (GRCh38, 1-based): chr3:151,436,878, T>C on the plus strand (A>G on the coding strand, the complement: IGSF10 is on the minus strand). VCF-style: chr3-151436878-T-C. GRCh37 (hg19) VCF-style: chr3-151154666-T-C.
Other names: c.7683A>G (NM_178822.4); c.1620A>G, p.Thr540= (NM_001178145.3, NM_001178146.3); c.7683A>G, p.Thr2561= (NM_001385060.1, NM_001385061.1, NM_001385062.1 and 1 more transcripts).
Identifiers: ClinVar variation 1598558 (VCV001598558.11), dbSNP rs2172250, ClinGen allele CA2669205.

ClinVar aggregate classification (germline): Benign. Review status: criteria provided, multiple submitters, no conflicts (2 of 4 stars). 3 submissions from 3 submitters: Benign (2). 1 of the submissions does not count toward it. Last evaluated 2026-02-04.

Conditions:
IGSF10-related disorder. Also called: IGSF10-related condition.

Allele frequency attached by ClinVar (database versions not stated): ESP Exome Variant Server 0.84646; 1000 Genomes Project 0.85144; 1000 Genomes Project 30x 0.85275; ExAC 0.83124; TOPMed 0.84331; gnomAD 0.83999 and 0.84011.
gnomAD v4.1: 1,347,343 of 1,613,988 alleles (83%); highest among the groups gnomAD compares: Middle Eastern, 94%; 563,505 homozygotes.

Submissions (3):

Labcorp Genetics (formerly Invitae), Labcorp
Classification: Benign. Last evaluated: 2026-02-04. Review status: criteria provided, single submitter. Criteria: Invitae Variant Classification Sherloc (09022015). Collection method: clinical testing. Allele origin: germline.

Breakthrough Genomics
Classification: Benign. Review status: criteria provided, single submitter. Criteria: ACMG Guidelines, 2015. Collection method: not provided. Allele origin: germline. Inheritance: Unknown mechanism. Affected: yes.

PreventionGenetics, part of Exact Sciences
Classification: Benign for IGSF10-related condition. Last evaluated: 2019-10-21. Review status: no assertion criteria provided. Collection method: clinical testing. Allele origin: germline. Not counted in ClinVar's aggregate classification.
Comment: This variant is classified as benign based on ACMG/AMP sequence variant interpretation guidelines (Richards et al. 2015 PMID: 25741868, with internal and published modifications).